The following is an entry in ClinVar:

ClinVar aggregate classification (germline): Pathogenic (0 of 4 stars; one submission).

Conditions:
Developmental and epileptic encephalopathy, 7 (DEE7). Also called: KCNQ2-Related Neonatal Epileptic Encephalopathy; Early infantile epileptic encephalopathy 7; KCNQ2-Related Neonatal-Onset Developmental and Epileptic Encephalopathy (NEO-DEE). Identifiers: Orphanet 439218, MedGen C3150986, MONDO:0013387, OMIM 613720.

Submissions (7):

Channelopathy-Associated Epilepsy Research Center
No classification provided (evidence only). Condition: Complex neurodevelopmental disorder. Review status: no classification provided. Collection method: literature only. Allele origin: not applicable. Functional consequence: Severe decrease in peak current, Severe slowing of activation, Mild depolarizing shift of voltage dependence of activation. Not counted in ClinVar's aggregate classification.
ClinVar note: "not provided" was previously submitted as the classification for the variant. However, the classification appeared to be based only on an observation of functional data so it was converted to no classification on 2025-07-30.

Channelopathy-Associated Epilepsy Research Center
No classification provided (evidence only). Review status: no classification provided. Collection method: in vitro. Allele origin: not applicable. Functional consequence: Decrease in peak current. Not counted in ClinVar's aggregate classification.

Channelopathy-Associated Epilepsy Research Center
No classification provided (evidence only). Review status: no classification provided. Collection method: in vitro. Allele origin: not applicable. Functional consequence: Decrease in peak current. Not counted in ClinVar's aggregate classification.

Channelopathy-Associated Epilepsy Research Center
No classification provided (evidence only). Review status: no classification provided. Collection method: in vitro. Allele origin: not applicable. Functional consequence: Normal voltage dependence of activation. Not counted in ClinVar's aggregate classification.

Channelopathy-Associated Epilepsy Research Center
No classification provided (evidence only). Review status: no classification provided. Collection method: in vitro. Allele origin: not applicable. Functional consequence: Normal slope of activation. Not counted in ClinVar's aggregate classification.

Channelopathy-Associated Epilepsy Research Center
No classification provided (evidence only). Review status: no classification provided. Collection method: in vitro. Allele origin: not applicable. Functional consequence: Normal rate of activation. Not counted in ClinVar's aggregate classification.

NeuroMeGen, Hospital Clinico Santiago de Compostela
Classification: Pathogenic for Developmental and epileptic encephalopathy, 7. Review status: no assertion criteria provided. Criteria: ACMG Guidelines, 2015. Collection method: clinical testing. Allele origin: de novo. Affected: yes.

Literature cited by the submitters: PubMed 35104249 (cited by Channelopathy-Associated Epilepsy Research Center).

NM_172107.4(KCNQ2):c.388G>A (p.Glu130Lys)

Gene: KCNQ2 (potassium voltage-gated channel subfamily Q member 2; minus strand). Cytogenetic location: 20q13.33.
Variant type: single nucleotide variant.
Coding change: c.388G>A on transcript NM_172107.4 (MANE Select); coding-DNA position 388, G replaced by A.
Protein change: p.Glu130Lys; replaces glutamic acid 130 with lysine.
Molecular consequence: missense variant.
Genome position (GRCh38, 1-based): chr20:63,445,364, C>T on the plus strand (G>A on the coding strand, the complement: KCNQ2 is on the minus strand). VCF-style: chr20-63445364-C-T. GRCh37 (hg19) VCF-style: chr20-62076717-C-T.
Other names: c.388G>A, p.Glu130Lys (NM_004518.6, NM_172106.3, NM_172108.5 and 1 more transcripts); short protein forms E130K.
Identifiers: ClinVar variation 219238 (VCV000219238.4), dbSNP rs864321710, ClinGen allele CA347950.